The following is an entry in ClinVar:

ClinVar aggregate classification (germline): Uncertain significance (1 of 4 stars; one submission).

Conditions:
Alpha thalassemia-X-linked intellectual disability syndrome (ATRX). Also called: ALPHA-THALASSEMIA/MENTAL RETARDATION SYNDROME, X-LINKED; ATR, NONDELETION TYPE; ATR-X syndrome; Alpha thalassemia mental retardation syndrome, nondeletion type, X-linked; XLMR hypotonic face syndrome; X-linked alpha-thalassemia-mental retardation syndrome. Identifiers: Orphanet 847, MedGen C1845055, MONDO:0010519, OMIM 301040.

Submission:

Labcorp Genetics (formerly Invitae), Labcorp
Classification: Uncertain significance for Alpha thalassemia-X-linked intellectual disability syndrome. Last evaluated: 2024-01-24. Review status: criteria provided, single submitter. Criteria: Invitae Variant Classification Sherloc (09022015). Collection method: clinical testing. Allele origin: germline.
Comment: This sequence change replaces alanine, which is neutral and non-polar, with glycine, which is neutral and non-polar, at codon 437 of the ATRX protein (p.Ala437Gly). This variant is not present in population databases (gnomAD no frequency). This variant has not been reported in the literature in individuals affected with ATRX-related conditions. Advanced modeling of protein sequence and biophysical properties (such as structural, functional, and spatial information, amino acid conservation, physicochemical variation, residue mobility, and thermodynamic stability) performed at Invitae indicates that this missense variant is not expected to disrupt ATRX protein function with a negative predictive value of 95%. In summary, the available evidence is currently insufficient to determine the role of this variant in disease. Therefore, it has been classified as a Variant of Uncertain Significance.

NM_000489.6(ATRX):c.1310C>G (p.Ala437Gly)

Gene: ATRX (ATRX chromatin remodeler; minus strand). Cytogenetic location: Xq21.1.
Variant type: single nucleotide variant.
Coding change: c.1310C>G on transcript NM_000489.6 (MANE Select); coding-DNA position 1310, C replaced by G.
Protein change: p.Ala437Gly; replaces alanine 437 with glycine.
Molecular consequence: missense variant.
Genome position (GRCh38, 1-based): chrX:77,683,946, G>C on the plus strand (C>G on the coding strand, the complement: ATRX is on the minus strand). VCF-style: chrX-77683946-G-C. GRCh37 (hg19) VCF-style: chrX-76939438-G-C.
Other names: c.1196C>G, p.Ala399Gly (NM_138270.5); short protein forms A437G, A399G.
Identifiers: ClinVar variation 2957978 (VCV002957978.3), dbSNP rs2148625883, ClinGen allele CA413718587.